The following is an entry in ClinVar:

ClinVar aggregate classification (germline): Uncertain significance (1 of 4 stars; one submission).

Conditions:
Hereditary cancer-predisposing syndrome. Also called: Hereditary Cancer Syndrome; Neoplastic Syndromes, Hereditary; Tumor predisposition; Hereditary neoplastic syndrome. Identifiers: Orphanet 140162, MedGen C0027672, MeSH D009386, MONDO:0015356.

Submission:

Ambry Genetics
Classification: Uncertain significance for Hereditary cancer-predisposing syndrome. Last evaluated: 2026-07-10. Review status: criteria provided, single submitter. Criteria: Ambry Variant Classification Scheme 2023. Collection method: clinical testing. Allele origin: germline.
Comment: The c.1375+5G>C intronic variant results from a G to C substitution 5 nucleotides after coding exon 11 in the CHEK2 gene. This nucleotide position is highly conserved in available vertebrate species. In silico splice site analysis predicts that this alteration will not have any significant effect on splicing. Based on the available evidence, the clinical significance of this variant remains unclear.

NM_007194.4(CHEK2):c.1375+5G>C

Gene: CHEK2 (checkpoint kinase 2; minus strand). Cytogenetic location: 22q12.1.
Variant type: single nucleotide variant.
Coding change: c.1375+5G>C on transcript NM_007194.4 (MANE Select); 5 bases into the intron after coding-DNA position 1375, G replaced by C.
Molecular consequence: intron variant.
Genome position (GRCh38, 1-based): chr22:28,695,122, C>G on the plus strand (G>C on the coding strand, the complement: CHEK2 is on the minus strand). VCF-style: chr22-28695122-C-G. GRCh37 (hg19) VCF-style: chr22-29091110-C-G.
Other names: c.712+5G>C (NM_001437942.1, NM_001257387.3); c.1174+5G>C (NM_001349956.3); c.1288+5G>C (NM_145862.3); c.1381+5G>C (NM_001438295.1); c.1468+5G>C (NM_001438293.1); c.1417+5G>C (NM_001438294.1); c.1504+5G>C (NM_001005735.3).
Identifiers: ClinVar variation 5034554 (VCV005034554.1).